The following is an entry in ClinVar:

NM_030665.4(RAI1):c.3701C>T (p.Thr1234Ile)

Gene: RAI1 (retinoic acid induced 1; plus strand). Cytogenetic location: 17p11.2.
Variant type: single nucleotide variant.
Coding change: c.3701C>T on transcript NM_030665.4 (MANE Select); coding-DNA position 3701, C replaced by T.
Protein change: p.Thr1234Ile; replaces threonine 1234 with isoleucine.
Molecular consequence: missense variant.
Genome position (GRCh38, 1-based): chr17:17,796,649, C>T. VCF-style: chr17-17796649-C-T. GRCh37 (hg19) VCF-style: chr17-17699963-C-T.
Other names: short protein forms T1234I.
Identifiers: ClinVar variation 2636622 (VCV002636622.2), dbSNP rs377633570, ClinGen allele CA8418791.
Genomic context (GRCh38, chr17:17,796,649, plus strand): 5'-TCTCTGACCGGCCCCTCCATGCGCTCAAAAGGAAGTCGGCCTTCATGGCGCCGGTCCCCA[C>T]CAAGAAGCGGAACCTGGTCTTGCGGAGCCGCAGCAGCAGCAGCAGCAACGCCAGTGGCAA-3'
Protein context (NP_109590.3, residues 1224-1244): RKSAFMAPVP[Thr1234Ile]KKRNLVLRSR

ClinVar aggregate classification (germline): Uncertain significance. Review status: criteria provided, single submitter (1 of 4 stars). 2 submissions from 2 submitters: Uncertain significance (1). 1 of the submissions does not count toward it. Last evaluated 2023-10-03.

Conditions:
RAI1-related disorder. Also called: RAI1-related condition.

Allele frequency attached by ClinVar (database versions not stated): TOPMed 0.00001; ExAC 0.00002; ESP Exome Variant Server 0.00008.
gnomAD v4.1: 7 of 1,612,166 alleles (0.00043%); highest among the groups gnomAD compares: Middle Eastern, 0.017%; no homozygotes.

Submissions (2):

Women's Health and Genetics/Laboratory Corporation of America, LabCorp
Classification: Uncertain significance. Last evaluated: 2023-10-03. Review status: criteria provided, single submitter. Criteria: LabCorp Variant Classification Summary - May 2015. Collection method: clinical testing. Allele origin: germline.
Comment: Variant summary: RAI1 c.3701C>T (p.Thr1234Ile) results in a non-conservative amino acid change in the encoded protein sequence. Three of five in-silico tools predict a benign effect of the variant on protein function. The variant allele was found at a frequency of 8e-06 in 249634 control chromosomes (gnomAD). The available data on variant occurrences in the general population are insufficient to allow any conclusion about variant significance. To our knowledge, no occurrence of c.3701C>T in individuals affected with Smith-Magenis Syndrome and no experimental evidence demonstrating its impact on protein function have been reported. No submitters have cited clinical-significance assessments for this variant to ClinVar after 2014. Based on the evidence outlined above, the variant was classified as uncertain significance.

PreventionGenetics, part of Exact Sciences
Classification: Uncertain significance for RAI1-related condition. Last evaluated: 2024-09-03. Review status: no assertion criteria provided. Collection method: clinical testing. Allele origin: germline. Not counted in ClinVar's aggregate classification.
Comment: The RAI1 c.3701C>T variant is predicted to result in the amino acid substitution p.Thr1234Ile. To our knowledge, this variant has not been reported in the literature. This variant is reported in 0.00089% of alleles in individuals of European (Non-Finnish) descent in gnomAD. At this time, the clinical significance of this variant is uncertain due to the absence of conclusive functional and genetic evidence.